The following is an entry in ClinVar:

NM_002769.5(PRSS1):c.704A>G (p.Tyr235Cys)

Genes: PRSS1 (serine protease 1; plus strand), TRB (T cell receptor beta locus; plus strand). Cytogenetic location: 7q34.
Variant type: single nucleotide variant.
Coding change: c.704A>G on transcript NM_002769.5 (MANE Select); coding-DNA position 704, A replaced by G.
Protein change: p.Tyr235Cys; replaces tyrosine 235 with cysteine.
Molecular consequence: missense variant. On other transcripts: non-coding transcript variant (5).
Genome position (GRCh38, 1-based): chr7:142,752,980, A>G. VCF-style: chr7-142752980-A-G. GRCh37 (hg19) VCF-style: chr7-142460831-A-G.
Other names: short protein forms Y235C.
Identifiers: ClinVar variation 5027401 (VCV005027401.1).

ClinVar aggregate classification (germline): Uncertain significance (1 of 4 stars; one submission).

Conditions:
Hereditary pancreatitis (PCTT). Also called: Hereditary chronic pancreatitis; PRSS1-Related Hereditary Pancreatitis. Identifiers: Orphanet 676, MedGen C0238339, MONDO:0008185, OMIM 167800.

Submission:

Ambry Genetics
Classification: Uncertain significance for Hereditary pancreatitis. Last evaluated: 2026-07-27. Review status: criteria provided, single submitter. Criteria: Ambry Variant Classification Scheme 2023. Collection method: clinical testing. Allele origin: germline.
Comment: The p.Y235C variant (also known as c.704A>G), located in coding exon 5 of the PRSS1 gene, results from an A to G substitution at nucleotide position 704. The tyrosine at codon 235 is replaced by cysteine, an amino acid with highly dissimilar properties. This amino acid position is conserved. In addition, this alteration is predicted to be deleterious by in silico analysis. Based on the available evidence, the clinical significance of this variant remains unclear.